The following is an entry in ClinVar:

NM_007210.4(GALNT6):c.1704C>T (p.Phe568=)

Gene: GALNT6 (polypeptide N-acetylgalactosaminyltransferase 6; minus strand). Cytogenetic location: 12q13.13.
Variant type: single nucleotide variant.
Coding change: c.1704C>T on transcript NM_007210.4 (MANE Select); coding-DNA position 1704, C replaced by T.
Protein change: p.Phe568=; no amino-acid change (phenylalanine 568 retained).
Molecular consequence: synonymous variant.
Genome position (GRCh38, 1-based): chr12:51,355,857, G>A on the plus strand (C>T on the coding strand, the complement: GALNT6 is on the minus strand). VCF-style: chr12-51355857-G-A. GRCh37 (hg19) VCF-style: chr12-51749641-G-A.
Identifiers: ClinVar variation 2642997 (VCV002642997.24), dbSNP rs139431666, ClinGen allele CA6569627.

ClinVar aggregate classification (germline): Likely benign (1 of 4 stars; one submission).

Allele frequency attached by ClinVar (database versions not stated): 1000 Genomes Project 30x 0.00078; 1000 Genomes Project 0.00100; TOPMed 0.00216; gnomAD 0.00241; ESP Exome Variant Server 0.00246; ExAC 0.00301; gnomAD exomes 0.00337.

Submission:

CeGaT Center for Human Genetics Tuebingen
Classification: Likely benign. Last evaluated: 2022-03-01. Review status: criteria provided, single submitter. Criteria: CeGaT Center For Human Genetics Tuebingen Variant Classification Criteria Version 2. Collection method: clinical testing. Allele origin: germline. Affected: yes. Observed: 1 variant allele.
Comment: GALNT6: BP4, BP7